The following is an entry in ClinVar:

NM_213653.4(HJV):c.1264T>C (p.Trp422Arg)

Gene: HJV (hemojuvelin BMP co-receptor; minus strand). Cytogenetic location: 1q21.1.
Variant type: single nucleotide variant.
Coding change: c.1264T>C on transcript NM_213653.4 (MANE Select); coding-DNA position 1264, T replaced by C.
Protein change: p.Trp422Arg; replaces tryptophan 422 with arginine.
Molecular consequence: missense variant.
Genome position (GRCh38, 1-based): chr1:146,018,094, A>G on the plus strand (T>C on the coding strand, the complement: HJV is on the minus strand). VCF-style: chr1-146018094-A-G. GRCh37 (hg19) VCF-style: chr1-145416919-T-C.
Other names: c.586T>C, p.Trp196Arg (NM_001316767.2, NM_202004.4, NM_213652.4); c.1264T>C, p.Trp422Arg (NM_001379352.1); c.925T>C, p.Trp309Arg (NM_145277.5); short protein forms W422R, W196R, W309R.
Identifiers: ClinVar variation 216846 (VCV000216846.9), dbSNP rs863224818, ClinGen allele CA339451.

ClinVar aggregate classification (germline): Uncertain significance (1 of 4 stars; one submission).

Submission:

Labcorp Genetics (formerly Invitae), Labcorp
Classification: Uncertain significance. Last evaluated: 2015-06-18. Review status: criteria provided, single submitter. Criteria: Invitae Variant Classification Sherloc (09022015). Collection method: clinical testing. Allele origin: germline.
Comment: In summary, this is a novel missense change with uncertain impact on protein function. It has been classified as a Variant of Uncertain Significance. Algorithms developed to predict the effect of missense changes on protein structure and function do not agree on the potential impact of this missense change (SIFT: "Deleterious"; PolyPhen-2: "Probably Damaging"; Align-GVGD: "Class C0"). This variant has not been published in the literature and is not present in population databases. This sequence change replaces tryptophan with arginine at codon 422 of the HFE2 protein (p.Trp422Arg). The tryptophan residue is moderately conserved and there is a moderate physicochemical difference between tryptophan and arginine.